The following is an entry in ClinVar:

ClinVar aggregate classification (germline): Pathogenic (1 of 4 stars; one submission).

Conditions:
Multiple endocrine neoplasia type 4. Also called: MULTIPLE ENDOCRINE NEOPLASIA, TYPE IV. Identifiers: Orphanet 276152, MedGen C1970712, MONDO:0012552, OMIM 610755.

Submission:

Labcorp Genetics (formerly Invitae), Labcorp
Classification: Pathogenic for Multiple endocrine neoplasia type 4. Last evaluated: 2024-12-15. Review status: criteria provided, single submitter. Criteria: Invitae Variant Classification Sherloc (09022015). Collection method: clinical testing. Allele origin: germline.
Comment: This sequence change creates a premature translational stop signal (p.Asn61Ilefs*10) in the CDKN1B gene. It is expected to result in an absent or disrupted protein product. Loss-of-function variants in CDKN1B are known to be pathogenic (PMID: 17030811, 24819502). This variant is not present in population databases (gnomAD no frequency). This variant has not been reported in the literature in individuals affected with CDKN1B-related conditions. For these reasons, this variant has been classified as Pathogenic.

Literature cited by the submitters: PubMed 17030811; PubMed 24819502.

NM_004064.5(CDKN1B):c.182del (p.Asn61fs)

Gene: CDKN1B (cyclin dependent kinase inhibitor 1B; plus strand). Cytogenetic location: 12p13.1.
Variant type: Deletion.
Coding change: c.182del on transcript NM_004064.5 (MANE Select); coding-DNA position 182, one base deleted (A; older notation c.182delA).
Protein change: p.Asn61fs; shifts the reading frame from asparagine 61.
Molecular consequence: frameshift variant.
Genome position (GRCh38, 1-based): chr12:12,718,021, A deleted; the last of 2 consecutive A bases (chr12:12,718,020-12,718,021); deleting either gives the same sequence. VCF-style (leftmost placement, unchanged base first): chr12-12718019-GA-G. GRCh37 (hg19) VCF-style: chr12-12870953-GA-G.
Other names: short protein forms N61fs.
Identifiers: ClinVar variation 3727296 (VCV003727296.2).